The following is an entry in ClinVar:

NM_004370.6(COL12A1):c.2522T>A (p.Val841Glu)

Gene: COL12A1 (collagen type XII alpha 1 chain; minus strand). Cytogenetic location: 6q13.
Variant type: single nucleotide variant.
Coding change: c.2522T>A on transcript NM_004370.6 (MANE Select); coding-DNA position 2522, T replaced by A.
Protein change: p.Val841Glu; replaces valine 841 with glutamic acid.
Molecular consequence: missense variant. On other transcripts: intron variant (1).
Genome position (GRCh38, 1-based): chr6:75,175,226, A>T on the plus strand (T>A on the coding strand, the complement: COL12A1 is on the minus strand). VCF-style: chr6-75175226-A-T. GRCh37 (hg19) VCF-style: chr6-75884942-A-T.
Other names: c.74-22744T>A (NM_080645.3); short protein forms V841E.
Identifiers: ClinVar variation 1019676 (VCV001019676.10), dbSNP rs375671490, ClinGen allele CA141023405.

ClinVar aggregate classification (germline): Uncertain significance. Review status: criteria provided, multiple submitters, no conflicts (2 of 4 stars). 2 submissions from 2 submitters: Uncertain significance (2). Last evaluated 2024-05-01.

Conditions:
Ullrich congenital muscular dystrophy 2 (UCMD2). Identifiers: Orphanet 75840, MedGen C4225314, MONDO:0014654, OMIM 616470.
Bethlem myopathy 2 (BTHLM2). Identifiers: Orphanet 536516, Orphanet 610, MedGen C4225313, MONDO:0034022, OMIM 616471.

Allele frequency attached by ClinVar (database versions not stated): gnomAD exomes below 0.00001 and 0.00001; gnomAD 0.00001; TOPMed 0.00002; ESP Exome Variant Server 0.00008.
gnomAD v4.1: 10 of 1,613,994 alleles (0.00062%); highest among the groups gnomAD compares: Non-Finnish European, 0.00085%; no homozygotes.

Submissions (2):

Labcorp Genetics (formerly Invitae), Labcorp
Classification: Uncertain significance for Bethlem myopathy 2; Ullrich congenital muscular dystrophy 2. Last evaluated: 2024-05-01. Review status: criteria provided, single submitter. Criteria: Invitae Variant Classification Sherloc (09022015). Collection method: clinical testing. Allele origin: germline.
Comment: This sequence change replaces valine, which is neutral and non-polar, with glutamic acid, which is acidic and polar, at codon 841 of the COL12A1 protein (p.Val841Glu). This variant is present in population databases (rs375671490, gnomAD 0.0009%). This variant has not been reported in the literature in individuals affected with COL12A1-related conditions. ClinVar contains an entry for this variant (Variation ID: 1019676). Advanced modeling of protein sequence and biophysical properties (such as structural, functional, and spatial information, amino acid conservation, physicochemical variation, residue mobility, and thermodynamic stability) performed at Invitae indicates that this missense variant is not expected to disrupt COL12A1 protein function with a negative predictive value of 80%. In summary, the available evidence is currently insufficient to determine the role of this variant in disease. Therefore, it has been classified as a Variant of Uncertain Significance.

GeneDx
Classification: Uncertain significance. Last evaluated: 2021-06-03. Review status: criteria provided, single submitter. Criteria: GeneDx Variant Classification Process June 2021. Collection method: clinical testing. Allele origin: germline. Affected: yes.
Comment: Has not been previously published as pathogenic or benign to our knowledge; Not observed at significant frequency in large population cohorts (Lek et al., 2016); In silico analysis supports that this missense variant does not alter protein structure/function; Reported in ClinVar as a variant of uncertain significance (ClinVar Variant ID# 1019676; Landrum et al., 2016); This variant is associated with the following publications: (PMID: 27535533)